The following continues an entry in ClinVar:

NM_000070.3(CAPN3):c.1342C>T (p.Arg448Cys)

Gene: CAPN3. ClinVar aggregate classification (germline): Pathogenic. Pathogenic (1).

Submissions 10 to 15 of 15:

Eurofins Ntd Llc (ga)
Classification: Pathogenic. Last evaluated: 2018-02-11. Review status: criteria provided, single submitter. Criteria: EGL ClinVar v180209 classification definitions. Collection method: clinical testing. Allele origin: germline. Observed: 3 variant alleles, 2 heterozygotes, 1 homozygote. Not counted in ClinVar's aggregate classification.

Clinical Genetics Service, Universitary Hospital 12 de Octubre
Classification: Pathogenic for Autosomal recessive limb-girdle muscular dystrophy type 2A. Review status: criteria provided, single submitter. Criteria: ACMG Guidelines, 2015. Collection method: clinical testing. Allele origin: germline. Affected: yes. Not counted in ClinVar's aggregate classification.

Kasturba Medical College, Manipal, Kasturba Medical College, Manipal, Manipal Academy of Higher Education, Manipal, India
Classification: Pathogenic for Autosomal recessive limb-girdle muscular dystrophy type 2A. Review status: criteria provided, single submitter. Criteria: ACMG Guidelines, 2015. Collection method: research. Allele origin: biparental. Inheritance: Autosomal recessive inheritance. Affected: yes. Observed: 1 heterozygote. Not counted in ClinVar's aggregate classification.
Comment: Parents samples are not available for segregation. The variant c.1342C>T was seen in 19 individuals in heterozygous state and absent in homozygous state in gnomAD (v4.1.0). This variant is absent in our in-house data of 3396 exomes.

Counsyl
Classification: Likely pathogenic for Autosomal recessive limb-girdle muscular dystrophy type 2A. Last evaluated: 2017-06-23. Review status: no assertion criteria provided. Collection method: clinical testing. Allele origin: unknown. Not counted in ClinVar's aggregate classification.

Genome Diagnostics Laboratory, University Medical Center Utrecht
Classification: Pathogenic. Review status: no assertion criteria provided. Collection method: clinical testing. Allele origin: germline. Affected: yes. Study: VKGL Data-share Consensus. Not counted in ClinVar's aggregate classification.

Joint Genome Diagnostic Labs from Nijmegen and Maastricht, Radboudumc and MUMC+
Classification: Likely pathogenic. Review status: no assertion criteria provided. Collection method: clinical testing. Allele origin: germline. Affected: yes. Study: VKGL Data-share Consensus. Not counted in ClinVar's aggregate classification.

Literature cited by the submitters: PubMed 27447704 (cited by 3 submitters); PubMed 17318636 (cited by 3 submitters); PubMed 31407473 (cited by Natera, Inc.); PubMed 10330340 (cited by Labcorp Genetics (formerly Invitae), Labcorp and Counsyl); PubMed 16141003 (cited by Labcorp Genetics (formerly Invitae), Labcorp and Kasturba Medical College, Manipal, Kasturba Medical College, Manipal, Manipal Academy of Higher Education, Manipal, India); PubMed 16650086 (cited by Labcorp Genetics (formerly Invitae), Labcorp); PubMed 18854869 (cited by 3 submitters); PubMed 26404900 (cited by Labcorp Genetics (formerly Invitae), Labcorp); PubMed 15221789 (cited by Labcorp Genetics (formerly Invitae), Labcorp and Broad Center for Mendelian Genomics, Broad Institute of MIT and Harvard); PubMed 17236769 (cited by Labcorp Genetics (formerly Invitae), Labcorp and Broad Center for Mendelian Genomics, Broad Institute of MIT and Harvard); PubMed 20635405 (cited by Labcorp Genetics (formerly Invitae), Labcorp); PubMed 21624972 (cited by Labcorp Genetics (formerly Invitae), Labcorp); PubMed 25135358 (cited by Labcorp Genetics (formerly Invitae), Labcorp); PubMed 26484845 (cited by Counsyl); PubMed 17994539 (cited by Counsyl).